The following is an entry in ClinVar:

CM000675.1:g.20470071_20509959dup

Gene: ZMYM2 (zinc finger MYM-type containing 2; plus strand). Cytogenetic location: 13q12.11.
Variant type: Duplication.
Identifiers: ClinVar variation 157267 (VCV000157267.2).

ClinVar aggregate classification (germline): not provided (0 of 4 stars; one submission).

Conditions:
Large for gestational age. Identifiers: MedGen C1848395, HP:0001520.

Submission:

Institute of Molecular and Cell Biology, University of Tartu
No classification provided. Condition: Large for gestational age. Review status: no classification provided. Collection method: case-control. Allele origin: unknown. Affected: yes. Study: Kasak2014.
Comment: The study aimed to determine the contribution of copy number variants in the genetic etiology of normal and complicated pregnancies. The samples represented (i) maternal blood DNA drawn from healthy pregnant women during 1st or 2nd trimester and (ii) maternal and paternal blood DNA drawn at term pregnancy cases representing normal and complicated gestations (severe preeclampsia, PE; gestational diabetes, GD; small-for-gestational age newborn, SGA; large-for-gestational age newborn, LGA). We performed CNV calling based on genome-wide genotyping dataset (Illumina HumanOmniExpress-24-v1 BeadChip) by applying three algorithms, QuantiSNP, GADA (Genome Alteration Detection Algorithm) and CNstream in parallel. The acquired CNV calls were merged with HD-CNV (Hotspot Detector for Copy Number Variants) program and only the CNVs predicted by at least two programs, were considered in subsequent analysis.

Literature cited by the submitters: PubMed 25666259.